The following is an entry in ClinVar:

ClinVar aggregate classification (germline): Uncertain significance. Review status: criteria provided, multiple submitters, no conflicts (2 of 4 stars). 2 submissions from 2 submitters: Uncertain significance (2). Last evaluated 2024-09-19.

Conditions:
Gorlin syndrome. Also called: Nevoid Basal Cell Carcinoma Syndrome; Basal cell nevus syndrome. Identifiers: Orphanet 377, MedGen C0004779, MONDO:0007187.
Medulloblastoma (MDB). Also called: Medulloblastoma, somatic; MEDULLOBLASTOMA PREDISPOSITION SYNDROME. Identifiers: Orphanet 616, MedGen C0025149, MeSH D008527, MONDO:0007959, OMIM 155255, HP:0002885.
Hereditary cancer-predisposing syndrome. Also called: Neoplastic Syndromes, Hereditary; Hereditary Cancer Syndrome; Hereditary neoplastic syndrome; Tumor predisposition. Identifiers: Orphanet 140162, MedGen C0027672, MeSH D009386, MONDO:0015356.

Submissions (2):

Ambry Genetics
Classification: Uncertain significance for Hereditary cancer-predisposing syndrome. Last evaluated: 2024-09-19. Review status: criteria provided, single submitter. Criteria: Ambry Variant Classification Scheme 2023. Collection method: clinical testing. Allele origin: germline.
Comment: The p.Y38C variant (also known as c.113A>G), located in coding exon 1 of the SUFU gene, results from an A to G substitution at nucleotide position 113. The tyrosine at codon 38 is replaced by cysteine, an amino acid with highly dissimilar properties. This amino acid position is highly conserved in available vertebrate species. In addition, this alteration is predicted to be deleterious by in silico analysis. Based on the available evidence, the clinical significance of this variant remains unclear.

Labcorp Genetics (formerly Invitae), Labcorp
Classification: Uncertain significance for Gorlin syndrome; Medulloblastoma. Last evaluated: 2019-11-26. Review status: criteria provided, single submitter. Criteria: Invitae Variant Classification Sherloc (09022015). Collection method: clinical testing. Allele origin: germline.
Comment: Algorithms developed to predict the effect of missense changes on protein structure and function are either unavailable or do not agree on the potential impact of this missense change (SIFT: "Deleterious"; PolyPhen-2: "Probably Damaging"; Align-GVGD: "Class C0"). In summary, the available evidence is currently insufficient to determine the role of this variant in disease. Therefore, it has been classified as a Variant of Uncertain Significance. This variant has not been reported in the literature in individuals with SUFU-related conditions. This variant is not present in population databases (ExAC no frequency). This sequence change replaces tyrosine with cysteine at codon 38 of the SUFU protein (p.Tyr38Cys). The tyrosine residue is highly conserved and there is a large physicochemical difference between tyrosine and cysteine.

NM_016169.4(SUFU):c.113A>G (p.Tyr38Cys)

Gene: SUFU (SUFU negative regulator of hedgehog signaling; plus strand). Cytogenetic location: 10q24.32.
Variant type: single nucleotide variant.
Coding change: c.113A>G on transcript NM_016169.4 (MANE Select); coding-DNA position 113, A replaced by G.
Protein change: p.Tyr38Cys; replaces tyrosine 38 with cysteine.
Molecular consequence: missense variant.
Genome position (GRCh38, 1-based): chr10:102,504,265, A>G. VCF-style: chr10-102504265-A-G. GRCh37 (hg19) VCF-style: chr10-104264022-A-G.
Other names: c.113A>G, p.Tyr38Cys (NM_001178133.2); short protein forms Y38C.
Identifiers: ClinVar variation 850566 (VCV000850566.11), dbSNP rs2062292284, ClinGen allele CA377886517.